The following is an entry in ClinVar:

ClinVar aggregate classification (germline): Uncertain significance (1 of 4 stars; one submission).

Submission:

Labcorp Genetics (formerly Invitae), Labcorp
Classification: Uncertain significance. Last evaluated: 2021-06-05. Review status: criteria provided, single submitter. Criteria: Invitae Variant Classification Sherloc (09022015). Collection method: clinical testing. Allele origin: germline.
Comment: This sequence change replaces phenylalanine with tyrosine at codon 660 of the SLC25A12 protein (p.Phe660Tyr). The phenylalanine residue is highly conserved and there is a small physicochemical difference between phenylalanine and tyrosine. This variant is not present in population databases (ExAC no frequency). This variant has not been reported in the literature in individuals with SLC25A12-related conditions. Algorithms developed to predict the effect of missense changes on protein structure and function are either unavailable or do not agree on the potential impact of this missense change (SIFT: "Deleterious"; PolyPhen-2: "Benign"; Align-GVGD: "Class C0"). In summary, the available evidence is currently insufficient to determine the role of this variant in disease. Therefore, it has been classified as a Variant of Uncertain Significance.

NM_003705.5(SLC25A12):c.1979T>A (p.Phe660Tyr)

Gene: SLC25A12 (solute carrier family 25 member 12; minus strand). Cytogenetic location: 2q31.1.
Variant type: single nucleotide variant.
Coding change: c.1979T>A on transcript NM_003705.5 (MANE Select); coding-DNA position 1979, T replaced by A.
Protein change: p.Phe660Tyr; replaces phenylalanine 660 with tyrosine.
Molecular consequence: missense variant. On other transcripts: non-coding transcript variant (1).
Genome position (GRCh38, 1-based): chr2:171,785,332, A>T on the plus strand (T>A on the coding strand, the complement: SLC25A12 is on the minus strand). VCF-style: chr2-171785332-A-T. GRCh37 (hg19) VCF-style: chr2-172641842-A-T.
Other names: short protein forms F660Y.
Identifiers: ClinVar variation 1496701 (VCV001496701.8), dbSNP rs2105829416, ClinGen allele CA349287144.